The following is an entry in ClinVar:

NM_004393.6(DAG1):c.1494G>A (p.Glu498=)

Gene: DAG1 (dystroglycan 1; plus strand). Cytogenetic location: 3p21.31.
Variant type: single nucleotide variant.
Coding change: c.1494G>A on transcript NM_004393.6 (MANE Select); coding-DNA position 1494, G replaced by A.
Protein change: p.Glu498=; no amino-acid change (glutamic acid 498 retained).
Molecular consequence: synonymous variant.
Genome position (GRCh38, 1-based): chr3:49,532,005, G>A. VCF-style: chr3-49532005-G-A. GRCh37 (hg19) VCF-style: chr3-49569438-G-A.
Other names: c.1494G>A, p.Glu498= (NM_001177640.3, NM_001177641.3, NM_001177642.3 and 18 more transcripts).
Identifiers: ClinVar variation 4874072 (VCV004874072.2).

ClinVar aggregate classification (germline): Likely benign (1 of 4 stars; one submission).

Submission:

CeGaT Center for Human Genetics Tuebingen
Classification: Likely benign. Last evaluated: 2026-06-01. Review status: criteria provided, single submitter. Criteria: CeGaT Center For Human Genetics Tuebingen Variant Classification Criteria Version 2. Collection method: clinical testing. Allele origin: germline. Affected: yes. Observed: 1 variant allele.
Comment: DAG1: PM2:Supporting, BP4, BP7